The following is an entry in ClinVar:

ClinVar aggregate classification (germline): Conflicting classifications of pathogenicity. Review status: criteria provided, conflicting classifications (1 of 4 stars). 7 submissions from 6 submitters: Uncertain significance (3); Likely benign (3). 1 of the submissions does not count toward it. Last evaluated 2025-08-31.

Conditions:
Hereditary cancer-predisposing syndrome. Also called: Hereditary Cancer Syndrome; Neoplastic Syndromes, Hereditary; Hereditary neoplastic syndrome; Tumor predisposition. Identifiers: Orphanet 140162, MedGen C0027672, MeSH D009386, MONDO:0015356.
Breast-ovarian cancer, familial, susceptibility to, 2 (BROVCA2). Also called: BRCA2 Hereditary Breast and Ovarian Cancer. Identifiers: Orphanet 145, MedGen C2675520, MONDO:0012933, OMIM 612555. Disease mechanism: loss of function.
Fanconi anemia complementation group D1. Also called: BRCA2-Related Fanconi Anemia. Identifiers: Orphanet 319462, MedGen C1838457, MONDO:0011584, OMIM 605724.
Medulloblastoma (MDB). Also called: MEDULLOBLASTOMA PREDISPOSITION SYNDROME; Medulloblastoma, somatic. Identifiers: Orphanet 616, MedGen C0025149, MeSH D008527, MONDO:0007959, OMIM 155255, HP:0002885.
Pancreatic cancer, susceptibility to, 2. Identifiers: Orphanet 1333, MedGen C3150546, MONDO:0013235, OMIM 613347.
Glioma susceptibility 3 (GLM3). Also called: Glioblastoma 3. Identifiers: Orphanet 182067, Orphanet 360, MedGen C2751641, MONDO:0013093, OMIM 613029.
Wilms tumor 1 (WT1). Also called: Wilms tumor, somatic. Identifiers: Orphanet 654, MedGen CN033288, MONDO:0008679, OMIM 194070.
Familial cancer of breast. Also called: hereditary breast carcinoma; BREAST CANCER, FAMILIAL; Hereditary breast cancer. Identifiers: Orphanet 227535, MedGen C0346153, MONDO:0016419, OMIM 114480. Disease mechanism: loss of function.
Prostate cancer. Also called: Malignant tumor of prostate. Identifiers: Orphanet 1331, MedGen C0376358, MONDO:0008315, HP:0012125.
Hereditary breast ovarian cancer syndrome. Also called: Hereditary breast and ovarian cancer syndrome; Breast and ovarian cancer; Hereditary breast and ovarian cancer syndrome (HBOC); BRCA1- and BRCA2-Associated Hereditary Breast and Ovarian Cancer; Hereditary breast and/or ovarian cancer syndrome; Hereditary breast and ovarian cancer. Identifiers: Orphanet 145, MedGen C0677776, MeSH D061325, MONDO:0003582. Disease mechanism: loss of function.

Allele frequency attached by ClinVar (database versions not stated): gnomAD exomes 0.00002 and 0.00003; gnomAD 0.00001; ExAC 0.00003.
gnomAD v4.1: 15 of 1,613,840 alleles (0.00093%); no homozygotes.

Submissions (7):

Labcorp Genetics (formerly Invitae), Labcorp
Classification: Likely benign for Hereditary breast ovarian cancer syndrome. Last evaluated: 2025-08-31. Review status: criteria provided, single submitter. Criteria: Invitae Variant Classification Sherloc (09022015). Collection method: clinical testing. Allele origin: germline.

GeneDx
Classification: Uncertain significance. Last evaluated: 2025-05-15. Review status: criteria provided, single submitter. Criteria: GeneDx Variant Classification Process June 2021. Collection method: clinical testing. Allele origin: germline. Affected: yes.
Comment: In silico analysis suggests that this missense variant does not alter protein structure/function; Also known as 6190G>A; This variant is associated with the following publications: (PMID: 31131967, 22193408, 9002670, 35585550, 30374176)

University of Washington Department of Laboratory Medicine, University of Washington
Classification: Likely benign for Hereditary cancer-predisposing syndrome. Last evaluated: 2023-03-23. Review status: criteria provided, single submitter. Criteria: Dines et al. (Genet Med. 2020). Collection method: curation. Allele origin: germline.
Comment: Missense variant in a coldspot region where missense variants are very unlikely to be pathogenic (PMID:31911673).

BRCA2 exon 11 coldspot. Reclassification based on statistical prior probability.

Ambry Genetics
Classification: Uncertain significance for Hereditary cancer-predisposing syndrome. Last evaluated: 2021-11-02. Review status: criteria provided, single submitter. Criteria: Ambry Variant Classification Scheme 2023. Collection method: clinical testing. Allele origin: germline.
Comment: The p.V1988I variant (also known as c.5962G>A), located in coding exon 10 of the BRCA2 gene, results from a G to A substitution at nucleotide position 5962. The valine at codon 1988 is replaced by isoleucine, an amino acid with highly similar properties. This alteration was classified as likely benign by one study that evaluated multiple lines of evidence, including population data, functional evidence, in silico prediction models, segregation with disease and clinical phenotype including tumor characteristics (Tsai GJ et al. Genet Med, 2019 06;21:1435-1442). This variant has also been reported in the literature in at least one individual diagnosed with breast cancer, however it was not reported whether the variant was germline or somatic in origin, and no strong evidence for causality was indicated (Trivedi H et al. Acta Med Acad, 2019 04; 48:105-115). This amino acid position is not well conserved in available vertebrate species. In addition, the in silico prediction for this alteration is inconclusive. Since supporting evidence is limited at this time, the clinical significance of this alteration remains unclear.

Fulgent Genetics
Classification: Uncertain significance for Familial cancer of breast; Medulloblastoma; Familial prostate cancer; Wilms tumor 1; Fanconi anemia complementation group D1; Breast-ovarian cancer, familial, susceptibility to, 2; Glioma susceptibility 3; Pancreatic cancer, susceptibility to, 2. Last evaluated: 2018-10-31. Review status: criteria provided, single submitter. Criteria: ACMG Guidelines, 2015. Collection method: clinical testing. Allele origin: unknown.

University of Washington Department of Laboratory Medicine, University of Washington
Classification: Likely benign for Hereditary breast and ovarian cancer syndrome. Last evaluated: 2018-05-29. Review status: criteria provided, single submitter. Criteria: Tsai GJ et al. (Genet Med 2018). Collection method: research. Allele origin: germline. Inheritance: Autosomal dominant inheritance. Affected: yes.
Comment: The BRCA2 variant designated as NM_000059.3: c.5962G>A (p.Val1988Ile) is classified as likely benign. This variant is listed in population databases and is found in 1 out of 1250 individuals with Finnish ancestry. Computer software programs predict that this variant is likely to be benign. This variant is found in exon 11, in a domain where non-truncating mutations are usually benign. Cosegregation analysis of one observed family was performed using an online resource (RaÃ±ola et al, 2018, PMID:28965303) and yielding a likelihood ratio of pathogenicity of 0.14 to 1 (Thompson, et al., 2003, PMID:2900794) providing evidence that this allele is less likely to cause cancer. Bayesian analysis integrating all of this data (Tavtigian et al, 2018, PMID: 29300386) gives about 1% probability of pathogenicity, which is consistent with a classification of likely benign. This variant is not predicted to alter BRCA2 function or modify cancer risk. This analysis was performed in conjunction with the family studies project as part of the University of Washington Find My Variant Study.

Sharing Clinical Reports Project (SCRP)
Classification: Uncertain significance for Breast-ovarian cancer, familial 2. Last evaluated: 2011-01-06. Review status: no assertion criteria provided. Collection method: clinical testing. Allele origin: germline. Not counted in ClinVar's aggregate classification.

Literature cited by the submitters: PubMed 30374176 (cited by Ambry Genetics); PubMed 31131967 (cited by Ambry Genetics); PubMed 31264438 (cited by Ambry Genetics).

NM_000059.4(BRCA2):c.5962G>A (p.Val1988Ile)

Gene: BRCA2 (BRCA2 DNA repair associated; plus strand). Cytogenetic location: 13q13.1.
Variant type: single nucleotide variant.
Coding change: c.5962G>A on transcript NM_000059.4 (MANE Select); coding-DNA position 5962, G replaced by A.
Protein change: p.Val1988Ile; replaces valine 1988 with isoleucine.
Molecular consequence: missense variant.
Genome position (GRCh38, 1-based): chr13:32,340,317, G>A. VCF-style: chr13-32340317-G-A. GRCh37 (hg19) VCF-style: chr13-32914454-G-A.
Other names: 6190G>A; short protein forms V1988I.
Identifiers: ClinVar variation 91430 (VCV000091430.21), dbSNP rs28897739, ClinGen allele CA023425.